The following is an entry in ClinVar:

NM_001130987.2(DYSF):c.2426dup (p.Asp810fs)

Gene: DYSF (dysferlin; plus strand). Cytogenetic location: 2p13.2.
Variant type: Duplication.
Coding change: c.2426dup on transcript NM_001130987.2 (MANE Select); coding-DNA position 2426, one base duplicated (C; older notation c.2426dupC).
Protein change: p.Asp810fs; shifts the reading frame from aspartic acid 810.
Molecular consequence: frameshift variant.
Genome position (GRCh38, 1-based): chr2:71,564,074, C duplicated; the last of 2 consecutive C bases (chr2:71,564,073-71,564,074); duplicating either gives the same sequence. VCF-style (leftmost placement, unchanged base first): chr2-71564072-G-GC. GRCh37 (hg19) VCF-style: chr2-71791202-G-GC.
Other names: c.2372dupC (NM_003494.3); c.2375dup, p.Asp793fs (NM_001130455.2, NM_001130983.2); c.2330dup, p.Asp778fs (NM_001130976.2, NM_001130977.2); c.2372dup, p.Asp792fs (NM_001130978.2, NM_003494.4); c.2465dup, p.Asp823fs (NM_001130979.2); c.2423dup, p.Asp809fs (NM_001130980.2, NM_001130981.2); c.2468dup, p.Asp824fs (NM_001130982.2); c.2333dup, p.Asp779fs (NM_001130984.2, NM_001130986.2); and 1 more; short protein forms D809fs, D810fs, D778fs, D779fs, D792fs, D793fs, D823fs, D824fs.
Identifiers: ClinVar variation 285647 (VCV000285647.29), dbSNP rs752479889, ClinGen allele CA1706175.

ClinVar aggregate classification (germline): Pathogenic/Likely pathogenic. Review status: criteria provided, multiple submitters, no conflicts (2 of 4 stars). 5 submissions from 5 submitters: Pathogenic (4); Likely pathogenic (1). Last evaluated 2024-10-17.

Conditions:
Autosomal recessive limb-girdle muscular dystrophy. Identifiers: Orphanet 102015, MedGen C2931907, MONDO:0015152.
Neuromuscular disease caused by qualitative or quantitative defects of dysferlin. Also called: Dysferlinopathy; Qualitative or quantitative defects of dysferlin. Identifiers: Orphanet 207073, MedGen C2931687, MONDO:0016145.
Autosomal recessive limb-girdle muscular dystrophy type 2B (LGMDR2). Also called: MUSCULAR DYSTROPHY, LIMB-GIRDLE, AUTOSOMAL RECESSIVE 2; Limb-girdle muscular dystrophy, type 2B; Limb-Girdle Muscular Dystrophy Type 2B (LGMD2B); MUSCULAR DYSTROPHY, LIMB-GIRDLE, TYPE 3. Identifiers: Orphanet 268, MedGen C1850889, MONDO:0009676, OMIM 253601.

Submissions (5):

Labcorp Genetics (formerly Invitae), Labcorp
Classification: Pathogenic for Neuromuscular disease caused by qualitative or quantitative defects of dysferlin. Last evaluated: 2024-10-17. Review status: criteria provided, single submitter. Criteria: Invitae Variant Classification Sherloc (09022015). Collection method: clinical testing. Allele origin: germline.
Comment: This sequence change creates a premature translational stop signal (p.Asp792Glyfs*73) in the DYSF gene. It is expected to result in an absent or disrupted protein product. Loss-of-function variants in DYSF are known to be pathogenic (PMID: 17698709, 20301480). This variant is present in population databases (rs752479889, gnomAD 0.0009%). This variant has not been reported in the literature in individuals affected with DYSF-related conditions. ClinVar contains an entry for this variant (Variation ID: 285647). For these reasons, this variant has been classified as Pathogenic.

CeGaT Center for Human Genetics Tuebingen
Classification: Pathogenic. Last evaluated: 2024-09-01. Review status: criteria provided, single submitter. Criteria: CeGaT Center For Human Genetics Tuebingen Variant Classification Criteria Version 2. Collection method: clinical testing. Allele origin: germline. Affected: yes. Observed: 1 variant allele.
Comment: DYSF: PVS1, PM2

Natera, Inc.
Classification: Likely pathogenic for Limb-girdle muscular dystrophy type 2B. Last evaluated: 2024-08-13. Review status: criteria provided, single submitter. Criteria: Natera Variant Classification Schema (03/2026). Collection method: clinical testing. Allele origin: germline.
Comment: The c.2372dupC variant in DYSF is a frameshift variant predicted to shift the reading frame beginning at codon 792 and leads to a stop codon 73 codons downstream. This variant is expected to result in nonsense mediated decay, truncation, or a dysfunctional protein product. This variant is rare in the general population with a frequency below the threshold expected for the associated phenotype(s). Given the available evidence, this variant is classified as Likely Pathogenic.

Myriad Genetics, Inc.
Classification: Pathogenic for Autosomal recessive limb-girdle muscular dystrophy. Last evaluated: 2024-05-08. Review status: criteria provided, single submitter. Criteria: Myriad Autosomal Dominant, Autosomal Recessive and X-Linked Classification Criteria (2023). Collection method: clinical testing. Allele origin: unknown.
Comment: NM_003494.3(DYSF):c.2372dupC(D792Gfs*73) is expected to be pathogenic in the context of dysferlinopathy. This variant is predicted to lead to an abnormal or absent protein product due to the creation of a premature termination codon in DYSF, a gene where loss-of-function variants are known to be pathogenic. Please note: this variant was assessed in the context of healthy population screening.

Eurofins Ntd Llc (ga)
Classification: Pathogenic. Last evaluated: 2016-01-26. Review status: criteria provided, single submitter. Criteria: EGL Classification Definitions. Collection method: clinical testing. Allele origin: germline. Observed: 1 variant allele.

Literature cited by the submitters: PubMed 17698709 (cited by Labcorp Genetics (formerly Invitae), Labcorp); PubMed 20301480 (cited by Labcorp Genetics (formerly Invitae), Labcorp).